The following is an entry in ClinVar:

NM_017636.4(TRPM4):c.539G>A (p.Gly180Asp)

Gene: TRPM4 (transient receptor potential cation channel subfamily M member 4; plus strand). Cytogenetic location: 19q13.33.
Variant type: single nucleotide variant.
Coding change: c.539G>A on transcript NM_017636.4 (MANE Select); coding-DNA position 539, G replaced by A.
Protein change: p.Gly180Asp; replaces glycine 180 with aspartic acid.
Molecular consequence: missense variant. On other transcripts: 5 prime UTR variant (1), intron variant (2).
Genome position (GRCh38, 1-based): chr19:49,168,350, G>A. VCF-style: chr19-49168350-G-A. GRCh37 (hg19) VCF-style: chr19-49671607-G-A.
Other names: c.539G>A, p.Gly180Asp (NM_001195227.2); c.-1015G>A (NM_001321282.2); c.17G>A, p.Gly6Asp (NM_001321283.2); c.268-203G>A (NM_001321281.2); c.-237-203G>A (NM_001321285.2); short protein forms G6D, G180D.
Identifiers: ClinVar variation 4748170 (VCV004748170.1).
Genomic context (GRCh38, chr19:49,168,350, plus strand): 5'-CGGGCATCGGCCGGCATGTTGGTGTGGCTGTACGGGACCATCAGATGGCCAGCACTGGGG[G>A]CACCAAGGTGGTGGCCATGGGTGTGGCCCCCTGGGGTGTGGTCCGGAATAGAGACACCCT-3'
Protein context (NP_060106.2, residues 170-190): VRDHQMASTG[Gly180Asp]TKVVAMGVAP

ClinVar aggregate classification (germline): Uncertain significance (1 of 4 stars; one submission).

Conditions:
Progressive familial heart block type IB (PFHB1B). Identifiers: Orphanet 871, MedGen C1970298, MONDO:0011474, OMIM 604559.

Submission:

Labcorp Genetics (formerly Invitae), Labcorp
Classification: Uncertain significance for Progressive familial heart block type IB. Last evaluated: 2025-04-29. Review status: criteria provided, single submitter. Criteria: Invitae Variant Classification Sherloc (09022015). Collection method: clinical testing. Allele origin: germline.
Comment: This sequence change replaces glycine, which is neutral and non-polar, with aspartic acid, which is acidic and polar, at codon 180 of the TRPM4 protein (p.Gly180Asp). This variant is not present in population databases (gnomAD no frequency). This variant has not been reported in the literature in individuals affected with TRPM4-related conditions. An algorithm developed to predict the effect of missense changes on protein structure and function (PolyPhen-2) suggests that this variant is likely to be tolerated. In summary, the available evidence is currently insufficient to determine the role of this variant in disease. Therefore, it has been classified as a Variant of Uncertain Significance.